The following is an entry in ClinVar:

ClinVar aggregate classification (germline): Uncertain significance (1 of 4 stars; one submission).

Allele frequency attached by ClinVar (database versions not stated): gnomAD exomes below 0.00001.
gnomAD v4.1: 2 of 1,611,204 alleles (0.00012%); highest among the groups gnomAD compares: Non-Finnish European, 0.00017%; no homozygotes.

Submission:

GeneDx
Classification: Uncertain significance. Last evaluated: 2022-06-15. Review status: criteria provided, single submitter. Criteria: GeneDx Variant Classification Process June 2021. Collection method: clinical testing. Allele origin: germline. Affected: yes.
Comment: Has not been previously published as pathogenic or benign to our knowledge; In silico analysis supports that this missense variant has a deleterious effect on protein structure/function; Not observed at significant frequency in large population cohorts (gnomAD)

NM_004387.4(NKX2-5):c.683A>C (p.Lys228Thr)

Gene: NKX2-5 (NK2 homeobox 5; minus strand). Cytogenetic location: 5q35.1.
Variant type: single nucleotide variant.
Coding change: c.683A>C on transcript NM_004387.4 (MANE Select); coding-DNA position 683, A replaced by C.
Protein change: p.Lys228Thr; replaces lysine 228 with threonine.
Molecular consequence: missense variant. On other transcripts: 3 prime UTR variant (2).
Genome position (GRCh38, 1-based): chr5:173,232,861, T>G on the plus strand (A>C on the coding strand, the complement: NKX2-5 is on the minus strand). VCF-style: chr5-173232861-T-G. GRCh37 (hg19) VCF-style: chr5-172659864-T-G.
Other names: c.*636A>C (NM_001166175.2); c.*482A>C (NM_001166176.2); short protein forms K228T.
Identifiers: ClinVar variation 1693108 (VCV001693108.2), dbSNP rs922066386, ClinGen allele CA132259045.